The following is an entry in ClinVar:

ClinVar aggregate classification (germline): Benign/Likely benign. Review status: criteria provided, multiple submitters, no conflicts (2 of 4 stars). 3 submissions from 3 submitters: Benign (2); Likely benign (1). Last evaluated 2026-02-01.

Conditions:
Primary ciliary dyskinesia 32. Also called: CILIARY DYSKINESIA, PRIMARY, 32, WITHOUT SITUS INVERSUS. Identifiers: Orphanet 244, MedGen C4225311, MONDO:0014657, OMIM 616481.

Allele frequency attached by ClinVar (database versions not stated): gnomAD exomes 0.00296; ExAC 0.00375; 1000 Genomes Project 0.00539; 1000 Genomes Project 30x 0.00625; gnomAD 0.00720 and 0.00764; TOPMed 0.00796; ESP Exome Variant Server 0.00976.
gnomAD v4.1: 5,323 of 1,613,966 alleles (0.33%); highest among the groups gnomAD compares: African/African-American, 1.9%; 29 homozygotes.

Submissions (3):

Labcorp Genetics (formerly Invitae), Labcorp
Classification: Benign for Primary ciliary dyskinesia 32. Last evaluated: 2026-02-01. Review status: criteria provided, single submitter. Criteria: Invitae Variant Classification Sherloc (09022015). Collection method: clinical testing. Allele origin: germline.

ARUP Laboratories, Molecular Genetics and Genomics, ARUP Laboratories
Classification: Benign for Primary ciliary dyskinesia 32. Last evaluated: 2025-05-06. Review status: criteria provided, single submitter. Criteria: ARUP Molecular Germline Variant Investigation Process 2024. Collection method: clinical testing. Allele origin: germline.

GeneDx
Classification: Likely benign. Last evaluated: 2023-11-15. Review status: criteria provided, single submitter. Criteria: GeneDx Variant Classification Process June 2021. Collection method: clinical testing. Allele origin: germline. Affected: yes.
Comment: See Variant Classification Assertion Criteria.

NM_031924.8(RSPH3):c.242G>A (p.Arg81Gln)

Gene: RSPH3 (radial spoke head 3; minus strand). Cytogenetic location: 6q25.3.
Variant type: single nucleotide variant.
Coding change: c.242G>A on transcript NM_031924.8 (MANE Select); coding-DNA position 242, G replaced by A.
Protein change: p.Arg81Gln; replaces arginine 81 with glutamine.
Molecular consequence: missense variant. On other transcripts: non-coding transcript variant (1), intron variant (1).
Genome position (GRCh38, 1-based): chr6:158,986,384, C>T on the plus strand (G>A on the coding strand, the complement: RSPH3 is on the minus strand). VCF-style: chr6-158986384-C-T. GRCh37 (hg19) VCF-style: chr6-159407416-C-T.
Other names: c.631-3696G>A (NM_001346418.1); short protein forms R81Q.
Identifiers: ClinVar variation 475836 (VCV000475836.13), dbSNP rs41267751, ClinGen allele CA4075945.